The following is an entry in ClinVar:

NM_001148.6(ANK2):c.1612G>T (p.Ala538Ser)

Gene: ANK2 (ankyrin 2; plus strand). Cytogenetic location: 4q26.
Variant type: single nucleotide variant.
Coding change: c.1612G>T on transcript NM_001148.6 (MANE Select); coding-DNA position 1612, G replaced by T.
Protein change: p.Ala538Ser; replaces alanine 538 with serine.
Molecular consequence: missense variant.
Genome position (GRCh38, 1-based): chr4:113,274,578, G>T. VCF-style: chr4-113274578-G-T. GRCh37 (hg19) VCF-style: chr4-114195734-G-T.
Other names: c.1525G>T, p.Ala509Ser (NM_001354260.2, NM_001354264.2, NM_001354266.2 and 13 more transcripts); c.1570G>T, p.Ala524Ser (NM_001354261.2, NM_001386147.1, NM_001386160.1); c.1549G>T, p.Ala517Ser (NM_001354262.2, NM_001354270.2, NM_001354252.2 and 14 more transcripts); c.1612G>T, p.Ala538Ser (NM_001354265.2, NM_001354268.2, NM_001354246.2 and 8 more transcripts); c.1402G>T, p.Ala468Ser (NM_001354269.3); c.1657G>T, p.Ala553Ser (NM_001386144.1, NM_001386152.1, NM_001354230.2 and 5 more transcripts); c.1600G>T, p.Ala534Ser (NM_001386148.2, NM_001386186.2); c.1414G>T, p.Ala472Ser (NM_001354273.2); and 4 more; short protein forms A443S, A468S, A472S, A509S, A517S, A524S, A526S, A534S.
Identifiers: ClinVar variation 4820528 (VCV004820528.1), dbSNP rs781717043.

ClinVar aggregate classification (germline): Uncertain significance (1 of 4 stars; one submission).

Conditions:
Cardiovascular phenotype. Identifiers: MedGen CN230736.

gnomAD v4.1: 11 of 1,614,084 alleles (0.00068%); highest among the groups gnomAD compares: African/African-American, 0.0013%; no homozygotes.

Submission:

Molecular Diagnostic Laboratory for Inherited Cardiovascular Disease, Montreal Heart Institute
Classification: Uncertain significance for Cardiovascular phenotype. Last evaluated: 2026-03-27. Review status: criteria provided, single submitter. Criteria: ACMG Guidelines, 2015. Collection method: clinical testing. Allele origin: germline. Affected: yes.
Comment: PM2